The following is an entry in ClinVar:

ClinVar aggregate classification (germline): Uncertain significance (1 of 4 stars; one submission).

Conditions:
Inborn genetic diseases. Identifiers: MedGen C0950123, MeSH D030342.

gnomAD v4.1: 1 of 1,613,560 alleles (0.000062%); highest among the groups gnomAD compares: Non-Finnish European, 0.000085%; no homozygotes.

Submission:

Ambry Genetics
Classification: Uncertain significance for Inborn genetic diseases. Last evaluated: 2024-11-15. Review status: criteria provided, single submitter. Criteria: Ambry Variant Classification Scheme 2023. Collection method: clinical testing. Allele origin: germline.
Comment: The p.K812N variant (also known as c.2436A>T), located in coding exon 19 of the LRRK2 gene, results from an A to T substitution at nucleotide position 2436. The lysine at codon 812 is replaced by asparagine, an amino acid with similar properties. This amino acid position is conserved. In addition, this alteration is predicted to be tolerated by in silico analysis. Based on the available evidence, the clinical significance of this variant remains unclear.

NM_198578.4(LRRK2):c.2436A>T (p.Lys812Asn)

Gene: LRRK2 (leucine rich repeat kinase 2; plus strand). Cytogenetic location: 12q12.
Variant type: single nucleotide variant.
Coding change: c.2436A>T on transcript NM_198578.4 (MANE Select); coding-DNA position 2436, A replaced by T.
Protein change: p.Lys812Asn; replaces lysine 812 with asparagine.
Molecular consequence: missense variant.
Genome position (GRCh38, 1-based): chr12:40,284,069, A>T. VCF-style: chr12-40284069-A-T. GRCh37 (hg19) VCF-style: chr12-40677871-A-T.
Other names: short protein forms K812N.
Identifiers: ClinVar variation 3540789 (VCV003540789.1).